The following is an entry in ClinVar:

NM_000344.4(SMN1):c.*3+1G>A

Gene: SMN1 (survival of motor neuron 1, telomeric). Cytogenetic location: 5q13.2.
Variant type: single nucleotide variant.
Coding change: c.*3+1G>A on transcript NM_000344.4 (MANE Select); the canonical splice donor site of the intron after 3 bases downstream of the stop codon, G replaced by A.
Molecular consequence: splice donor variant. On other transcripts: intron variant (1).
Genome position (GRCh38, 1-based): chr5:70,951,995, G>A. VCF-style: chr5-70951995-G-A. GRCh37 (hg19) VCF-style: chr5-70247822-G-A.
Other names: c.835-444G>A (NM_001297715.1); c.*3+1G>A (NM_022874.2).
Identifiers: ClinVar variation 634946 (VCV000634946.9), dbSNP rs1290417835, ClinGen allele CA913189610.

ClinVar aggregate classification (germline): Likely pathogenic. Review status: criteria provided, multiple submitters, no conflicts (2 of 4 stars). 4 submissions from 4 submitters: Likely pathogenic (4). Last evaluated 2026-02-18.

Conditions:
Spinal muscular atrophy (SMA). Identifiers: MedGen C0026847, MeSH D009134, MONDO:0001516, HP:0007269.

Allele frequency attached by ClinVar (database versions not stated): gnomAD exomes below 0.00001.
gnomAD v4.1: 1 of 1,612,704 alleles (0.000062%); highest among the groups gnomAD compares: Non-Finnish European, 0.000085%; no homozygotes.

Submissions (4):

Otogenetics
Classification: Likely pathogenic for Spinal muscular atrophy. Last evaluated: 2026-02-18. Review status: criteria provided, single submitter. Criteria: ACMG Guidelines, 2015. Collection method: clinical testing. Allele origin: germline.

Labcorp Genetics (formerly Invitae), Labcorp
Classification: Likely pathogenic for Spinal muscular atrophy. Last evaluated: 2025-09-02. Review status: criteria provided, single submitter. Criteria: Invitae Variant Classification Sherloc (09022015). Collection method: clinical testing. Allele origin: germline.
Comment: This sequence change falls in intron 8 of the SMN1 gene. It does not directly change the encoded amino acid sequence of the SMN1 protein. RNA analysis indicates that this variant induces altered splicing and may result in an absent or altered protein product. The frequency data for this variant in the population databases (gnomAD) is considered unreliable due to the presence of homologous sequence, such as pseudogenes or paralogs, in the genome. Disruption of this splice site has been observed in individual(s) with spinal muscular atrophy (PMID: 25572663). In at least one individual the data is consistent with being in trans (on the opposite chromosome) from a pathogenic variant. ClinVar contains an entry for this variant (Variation ID: 634946). Variants that disrupt the consensus splice site are a relatively common cause of aberrant splicing (PMID: 17576681, 9536098). Studies have shown that this variant results in skipping of exon 8, and produces a non-functional protein and/or introduces a premature termination codon (PMID: 25572663). In summary, the currently available evidence indicates that the variant is pathogenic, but additional data are needed to prove that conclusively. Therefore, this variant has been classified as Likely Pathogenic.

Women's Health and Genetics/Laboratory Corporation of America, LabCorp
Classification: Likely pathogenic for Spinal muscular atrophy. Last evaluated: 2020-01-20. Review status: criteria provided, single submitter. Criteria: LabCorp Variant Classification Summary - May 2015. Collection method: clinical testing. Allele origin: germline.
Comment: Variant summary: SMN1 c.*3+1G>A is located in a canonical splice-site and is predicted to affect mRNA splicing resulting in a significantly altered protein due to either exon skipping, shortening, or inclusion of intronic material. Several computational tools predict a significant impact on normal splicing: Three predict the variant abolishes a 5' splicing donor site. However, these predictions have yet to be confirmed by functional studies. The variant was absent in 247916 control chromosomes. To our knowledge, no occurrence of c.*3+1G>A in individuals affected with Spinal Muscular Atrophy and no experimental evidence demonstrating its impact on protein function have been reported. However, c.*3+1G>C has been reported in patients with Spinal muscular atrophy (HGMD database). One clinical diagnostic laboratory has submitted clinical-significance assessments for this variant to ClinVar after 2014 without evidence for independent evaluation and classified the variant as likely pathogenic. Based on the evidence outlined above, the variant was classified as likely pathogenic.

Molecular Diagnostics Lab, Nemours Children's Health, Delaware
Classification: Likely pathogenic. Last evaluated: 2016-03-21. Review status: criteria provided, single submitter. Criteria: ACMG Guidelines, 2015. Collection method: clinical testing. Allele origin: unknown. Affected: yes. Observed: 1 variant allele.

Literature cited by the submitters: This variant was confirmed by long range PCR/nesting PCR and Sanger sequencing. PVS1_Strong: Null variant occurring in a canonical splice site (donor site) in gene with loss of function as mechanism of disease, not predicted to disrupt the reading frame, but truncated/altered region critical to protein function (cited by Otogenetics); PM2: Variant not observed in gnomAD (<0.05% threshold) (cited by Otogenetics); PubMed 25572663 (cited by Labcorp Genetics (formerly Invitae), Labcorp and Molecular Diagnostics Lab, Nemours Children's Health, Delaware); PubMed 17576681 (cited by Labcorp Genetics (formerly Invitae), Labcorp); PubMed 9536098 (cited by Labcorp Genetics (formerly Invitae), Labcorp).